The following is an entry in ClinVar:

ClinVar aggregate classification (germline): Uncertain significance. Review status: criteria provided, multiple submitters, no conflicts (2 of 4 stars). 2 submissions from 2 submitters: Uncertain significance (2). Last evaluated 2025-08-14.

Conditions:
Primary ciliary dyskinesia. Also called: Ciliary dyskinesia. Identifiers: Orphanet 244, MedGen C0008780, MONDO:0016575, HP:0012265.
Joubert syndrome. Also called: JOUBERT-BOLTSHAUSER SYNDROME; Familial aplasia of the vermis. Identifiers: Orphanet 475, MedGen C5979921, MONDO:0018772.
Orofaciodigital syndrome I (OFD1). Also called: OFDS I; Papillon-Leage and Psaume Syndrome; Oral-Facial-Digital Syndrome Type I. Identifiers: Orphanet 2750, MedGen C1510460, MONDO:0010702, OMIM 311200.

gnomAD v4.1: 9 of 1,208,165 alleles (0.00074%); highest among the groups gnomAD compares: Admixed American, 0.02%; no homozygotes.

Submissions (2):

Ambry Genetics
Classification: Uncertain significance for Primary ciliary dyskinesia. Last evaluated: 2025-08-14. Review status: criteria provided, single submitter. Criteria: Ambry Variant Classification Scheme 2023. Collection method: clinical testing. Allele origin: germline.

Labcorp Genetics (formerly Invitae), Labcorp
Classification: Uncertain significance for Orofaciodigital syndrome I; Joubert syndrome. Last evaluated: 2024-02-02. Review status: criteria provided, single submitter. Criteria: Invitae Variant Classification Sherloc (09022015). Collection method: clinical testing. Allele origin: germline.
Comment: This sequence change replaces alanine, which is neutral and non-polar, with glycine, which is neutral and non-polar, at codon 213 of the OFD1 protein (p.Ala213Gly). This variant is present in population databases (no rsID available, gnomAD 0.004%). This variant has not been reported in the literature in individuals affected with OFD1-related conditions. Advanced modeling of protein sequence and biophysical properties (such as structural, functional, and spatial information, amino acid conservation, physicochemical variation, residue mobility, and thermodynamic stability) has been performed at Invitae for this missense variant, however the output from this modeling did not meet the statistical confidence thresholds required to predict the impact of this variant on OFD1 protein function. In summary, the available evidence is currently insufficient to determine the role of this variant in disease. Therefore, it has been classified as a Variant of Uncertain Significance.

NM_003611.3(OFD1):c.638C>G (p.Ala213Gly)

Gene: OFD1 (OFD1 centriole and centriolar satellite protein; plus strand). Cytogenetic location: Xp22.2.
Variant type: single nucleotide variant.
Coding change: c.638C>G on transcript NM_003611.3 (MANE Select); coding-DNA position 638, C replaced by G.
Protein change: p.Ala213Gly; replaces alanine 213 with glycine.
Molecular consequence: missense variant.
Genome position (GRCh38, 1-based): chrX:13,746,439, C>G. VCF-style: chrX-13746439-C-G. GRCh37 (hg19) VCF-style: chrX-13764558-C-G.
Other names: c.638C>G (NM_003611.2); c.638C>G, p.Ala213Gly (NM_001330209.2); c.218C>G, p.Ala73Gly (NM_001330210.2); short protein forms A213G, A73G.
Identifiers: ClinVar variation 3758373 (VCV003758373.3).